The following is an entry in ClinVar:

ClinVar aggregate classification (germline): Pathogenic (1 of 4 stars; one submission).

Conditions:
Familial cancer of breast. Also called: Hereditary breast cancer; hereditary breast carcinoma; BREAST CANCER, FAMILIAL. Identifiers: Orphanet 227535, MedGen C0346153, MONDO:0016419, OMIM 114480. Disease mechanism: loss of function.

Submission:

Labcorp Genetics (formerly Invitae), Labcorp
Classification: Pathogenic for Familial cancer of breast. Last evaluated: 2022-04-24. Review status: criteria provided, single submitter. Criteria: Invitae Variant Classification Sherloc (09022015). Collection method: clinical testing. Allele origin: germline.
Comment: This variant is a gross deletion of the genomic region encompassing exon(s) 2-11 of the BARD1 gene, which includes the termination codon. This deletion extends beyond the assayed region for this gene and therefore may encompass additional genes. While this deletion is not anticipated to lead to nonsense mediated decay, it is expected to alter mRNA translation or result in a truncated protein product. This variant has not been reported in the literature in individuals affected with BARD1-related conditions. The region of the BARD1 gene that includes exon(s) 7-11 has been determined to be clinically significant (Invitae). Therefore, deletions that encompass that region are likely to be disease-causing. For these reasons, this variant has been classified as Pathogenic.

NC_000002.11:g.(?_215593400)_(215661851_?)del

Gene: BARD1 (BRCA1 associated RING domain 1; minus strand). Cytogenetic location: 2q35.
Variant type: Deletion.
Identifiers: ClinVar variation 2423134 (VCV002423134.3).